The following is an entry in ClinVar:

NM_032188.3(KAT8):c.428A>G (p.Lys143Arg)

Gene: KAT8 (lysine acetyltransferase 8; plus strand). Cytogenetic location: 16p11.2.
Variant type: single nucleotide variant.
Coding change: c.428A>G on transcript NM_032188.3 (MANE Select); coding-DNA position 428, A replaced by G.
Protein change: p.Lys143Arg; replaces lysine 143 with arginine.
Molecular consequence: missense variant.
Genome position (GRCh38, 1-based): chr16:31,120,480, A>G. VCF-style: chr16-31120480-A-G. GRCh37 (hg19) VCF-style: chr16-31131801-A-G.
Other names: c.428A>G, p.Lys143Arg (NM_182958.4); short protein forms K143R.
Identifiers: ClinVar variation 3897471 (VCV003897471.1).

ClinVar aggregate classification (germline): Uncertain significance (1 of 4 stars; one submission).

Submission:

GeneDx
Classification: Uncertain significance. Last evaluated: 2024-10-30. Review status: criteria provided, single submitter. Criteria: GeneDx Variant Classification Process June 2021. Collection method: clinical testing. Allele origin: germline. Affected: yes.
Comment: Not observed at significant frequency in large population cohorts (gnomAD); In silico analysis supports that this missense variant has a deleterious effect on protein structure/function; Has not been previously published as pathogenic or benign to our knowledge